The following is an entry in ClinVar:

NM_006421.5(ARFGEF1):c.4485G>A (p.Gln1495=)

Gene: ARFGEF1 (ARF guanine nucleotide exchange factor 1; minus strand). Cytogenetic location: 8q13.2.
Variant type: single nucleotide variant.
Coding change: c.4485G>A on transcript NM_006421.5 (MANE Select); coding-DNA position 4485, G replaced by A.
Protein change: p.Gln1495=; no amino-acid change (glutamine 1495 retained).
Molecular consequence: synonymous variant. On other transcripts: non-coding transcript variant (1).
Genome position (GRCh38, 1-based): chr8:67,217,910, C>T on the plus strand (G>A on the coding strand, the complement: ARFGEF1 is on the minus strand). VCF-style: chr8-67217910-C-T. GRCh37 (hg19) VCF-style: chr8-68130145-C-T.
Other names: c.4485G>A, p.Gln1495= (NM_001413184.1, NM_001413185.1, NM_001413186.1 and 5 more transcripts); c.3885G>A, p.Gln1295= (NM_001413188.1, NM_001413193.1, NM_001413197.1); c.4479G>A, p.Gln1493= (NM_001413190.1); c.3060G>A, p.Gln1020= (NM_001413196.1).
Identifiers: ClinVar variation 4681632 (VCV004681632.5).
Genomic context (GRCh38, chr8:67,217,910, plus strand): 5'-AAATTTTTCACCATTCAGAATAACAACATTCTCTAAACAGTTTGTACCAGATCGCGCTAA[C>T]TGCTCATTGTCTAGGAAAGAAAAGAGCAATTCATTTATATATTACCAGGGTCACATTTAA-3'
Protein context (NP_006412.2, residues 1485-1505): LYWCVQQDNE[Gln1495=]LARSGTNCLE

ClinVar aggregate classification (germline): Likely benign (1 of 4 stars; one submission).

Submission:

CeGaT Center for Human Genetics Tuebingen
Classification: Likely benign. Last evaluated: 2025-12-01. Review status: criteria provided, single submitter. Criteria: CeGaT Center For Human Genetics Tuebingen Variant Classification Criteria Version 2. Collection method: clinical testing. Allele origin: germline. Affected: yes. Observed: 1 variant allele.
Comment: ARFGEF1: PM2:Supporting, BP4, BP7